The following is an entry in ClinVar:

NM_021871.4(FGA):c.1048G>A (p.Gly350Arg)

Gene: FGA (fibrinogen alpha chain; minus strand). Cytogenetic location: 4q31.3.
Variant type: single nucleotide variant.
Coding change: c.1048G>A on transcript NM_021871.4 (MANE Select); coding-DNA position 1048, G replaced by A.
Protein change: p.Gly350Arg; replaces glycine 350 with arginine.
Molecular consequence: missense variant.
Genome position (GRCh38, 1-based): chr4:154,586,381, C>T on the plus strand (G>A on the coding strand, the complement: FGA is on the minus strand). VCF-style: chr4-154586381-C-T. GRCh37 (hg19) VCF-style: chr4-155507533-C-T.
Other names: c.1048G>A, p.Gly350Arg (NM_000508.5); short protein forms G350R.
Identifiers: ClinVar variation 1708400 (VCV001708400.7), dbSNP rs777590326, ClinGen allele CA3115167.

ClinVar aggregate classification (germline): Uncertain significance. Review status: criteria provided, multiple submitters, no conflicts (2 of 4 stars). 3 submissions from 3 submitters: Uncertain significance (3). Last evaluated 2024-09-17.

Conditions:
Inborn genetic diseases. Identifiers: MedGen C0950123, MeSH D030342.

Allele frequency attached by ClinVar (database versions not stated): gnomAD 0.00001; gnomAD exomes 0.00001; ExAC 0.00002; TOPMed 0.00003.
gnomAD v4.1: 17 of 1,614,072 alleles (0.0011%); highest among the groups gnomAD compares: Non-Finnish European, 0.0014%; no homozygotes.

Submissions (3):

Blueprint Genetics
Classification: Uncertain significance. Last evaluated: 2024-09-17. Review status: criteria provided, single submitter. Criteria: ACMG Guidelines, 2015. Collection method: clinical testing. Allele origin: germline.

Centre of Medical Genetics, University Hospital Muenster
Classification: Uncertain significance. Last evaluated: 2022-05-31. Review status: criteria provided, single submitter. Criteria: ACMG Guidelines, 2015. Collection method: clinical testing. Allele origin: unknown. Affected: yes. Observed: 1 variant allele, 1 heterozygote.
Comment: ACMG categories: PM2

Ambry Genetics
Classification: Uncertain significance for Inborn genetic diseases. Last evaluated: 2022-05-26. Review status: criteria provided, single submitter. Criteria: Ambry Variant Classification Scheme 2023. Collection method: clinical testing. Allele origin: germline.